The following is an entry in ClinVar:

NM_001369369.1(FOXN1):c.1424C>T (p.Pro475Leu)

Gene: FOXN1 (forkhead box N1; plus strand). Cytogenetic location: 17q11.2.
Variant type: single nucleotide variant.
Coding change: c.1424C>T on transcript NM_001369369.1 (MANE Select); coding-DNA position 1424, C replaced by T.
Protein change: p.Pro475Leu; replaces proline 475 with leucine.
Molecular consequence: missense variant.
Genome position (GRCh38, 1-based): chr17:28,534,995, C>T. VCF-style: chr17-28534995-C-T. GRCh37 (hg19) VCF-style: chr17-26862013-C-T.
Other names: c.1424C>T, p.Pro475Leu (NM_003593.3); short protein forms P475L.
Identifiers: ClinVar variation 1417627 (VCV001417627.5), dbSNP rs551310590, ClinGen allele CA8459523.
Genomic context (GRCh38, chr17:28,534,995, plus strand): 5'-ACTTGCACCTCTCACCAGGCCTGGCCCCTCCTGGACCCCCGCAGCCATTGTTCCCACAGC[C>T]GGACGGGCACCTTGAGCTGCGGGCCCAGCCAGGCACCCCCCAGGACTCGCCTCTGCCTGC-3'
Protein context (NP_001356298.1, residues 465-485): PGPPQPLFPQ[Pro475Leu]DGHLELRAQP

ClinVar aggregate classification (germline): Uncertain significance (1 of 4 stars; one submission).

Conditions:
T-cell immunodeficiency, congenital alopecia, and nail dystrophy. Also called: Congenital alopecia and nail dystrophy associated with severe functional T-cell immunodeficiency; Pignata Guarino syndrome. Identifiers: Orphanet 169095, MedGen C1866426, MONDO:0011132, OMIM 601705.

Allele frequency attached by ClinVar (database versions not stated): gnomAD 0.00001 and 0.00003; TOPMed 0.00002; gnomAD exomes 0.00005 and 0.00011; ExAC 0.00012; 1000 Genomes Project 0.00020; 1000 Genomes Project 30x 0.00031.
gnomAD v4.1: 82 of 1,614,002 alleles (0.0051%); highest among the groups gnomAD compares: South Asian, 0.066%; 2 homozygotes.

Submission:

Labcorp Genetics (formerly Invitae), Labcorp
Classification: Uncertain significance for T-cell immunodeficiency, congenital alopecia, and nail dystrophy. Last evaluated: 2025-12-02. Review status: criteria provided, single submitter. Criteria: Invitae Variant Classification Sherloc (09022015). Collection method: clinical testing. Allele origin: germline.
Comment: This sequence change replaces proline, which is neutral and non-polar, with leucine, which is neutral and non-polar, at codon 475 of the FOXN1 protein (p.Pro475Leu). This variant is present in population databases (rs551310590, gnomAD 0.06%). This variant has not been reported in the literature in individuals affected with FOXN1-related conditions. ClinVar contains an entry for this variant (Variation ID: 1417627). Invitae Evidence Modeling of protein sequence and biophysical properties (such as structural, functional, and spatial information, amino acid conservation, physicochemical variation, residue mobility, and thermodynamic stability) indicates that this missense variant is not expected to disrupt FOXN1 protein function with a negative predictive value of 80%. In summary, the available evidence is currently insufficient to determine the role of this variant in disease. Therefore, it has been classified as a Variant of Uncertain Significance.